The following is an entry in ClinVar:

ClinVar aggregate classification (germline): Benign/Likely benign. Review status: criteria provided, multiple submitters, no conflicts (2 of 4 stars). 5 submissions from 5 submitters: Benign (2); Likely benign (2). 1 of the submissions does not count toward it. Last evaluated 2025-08-18.

Conditions:
OVOL2-related disorder. Also called: OVOL2-related condition.

Allele frequency attached by ClinVar (database versions not stated): 1000 Genomes Project 30x 0.00031; 1000 Genomes Project 0.00040; ESP Exome Variant Server 0.00046; gnomAD 0.00058 and 0.00059; TOPMed 0.00071; gnomAD exomes 0.00072 and 0.00114; ExAC 0.00094.
gnomAD v4.1: 1,210 of 1,614,164 alleles (0.075%); highest among the groups gnomAD compares: Middle Eastern, 0.73%; 4 homozygotes.

Submissions (5):

Genomic Medicine Center of Excellence, King Faisal Specialist Hospital and Research Centre
Classification: Likely benign. Last evaluated: 2025-08-18. Review status: criteria provided, single submitter. Criteria: ACMG Guidelines, 2015. Collection method: clinical testing. Allele origin: germline.

Blueprint Genetics
Classification: Likely benign. Last evaluated: 2024-11-28. Review status: criteria provided, single submitter. Criteria: ACMG Guidelines, 2015. Collection method: clinical testing. Allele origin: germline.

Labcorp Genetics (formerly Invitae), Labcorp
Classification: Benign. Last evaluated: 2019-12-31. Review status: criteria provided, single submitter. Criteria: Invitae Variant Classification Sherloc (09022015). Collection method: clinical testing. Allele origin: germline.

Breakthrough Genomics
Classification: Benign. Review status: criteria provided, single submitter. Criteria: ACMG Guidelines, 2015. Collection method: not provided. Allele origin: germline. Inheritance: Autosomal dominant inheritance. Affected: yes.

PreventionGenetics, part of Exact Sciences
Classification: Benign for OVOL2-related condition. Last evaluated: 2020-12-07. Review status: no assertion criteria provided. Collection method: clinical testing. Allele origin: germline. Not counted in ClinVar's aggregate classification.
Comment: This variant is classified as benign based on ACMG/AMP sequence variant interpretation guidelines (Richards et al. 2015 PMID: 25741868, with internal and published modifications).

NM_021220.4(OVOL2):c.684C>A (p.Asp228Glu)

Gene: OVOL2 (ovo like zinc finger 2; minus strand). Cytogenetic location: 20p11.23.
Variant type: single nucleotide variant.
Coding change: c.684C>A on transcript NM_021220.4 (MANE Select); coding-DNA position 684, C replaced by A.
Protein change: p.Asp228Glu; replaces aspartic acid 228 with glutamic acid.
Molecular consequence: missense variant.
Genome position (GRCh38, 1-based): chr20:18,024,780, G>T on the plus strand (C>A on the coding strand, the complement: OVOL2 is on the minus strand). VCF-style: chr20-18024780-G-T. GRCh37 (hg19) VCF-style: chr20-18005424-G-T.
Other names: c.288C>A, p.Asp96Glu (NM_001303461.1, NM_001303462.1); short protein forms D228E, D96E.
Identifiers: ClinVar variation 727892 (VCV000727892.9), dbSNP rs144397235, ClinGen allele CA9775149.